The following is an entry in ClinVar:

ClinVar aggregate classification (germline): Pathogenic (1 of 4 stars; one submission).

Submission:

Labcorp Genetics (formerly Invitae), Labcorp
Classification: Pathogenic. Last evaluated: 2023-11-07. Review status: criteria provided, single submitter. Criteria: Invitae Variant Classification Sherloc (09022015). Collection method: clinical testing. Allele origin: unknown.
Comment: This variant is a gross deletion of the genomic region encompassing exon(s) 1-39 of the POLE gene, which includes the initiator codon. This deletion extends beyond the assayed region for this gene and therefore may encompass additional genes. It is expected to result in an absent or disrupted protein product. Loss-of-function variants in POLE are known to be pathogenic (PMID: 23230001, 25948378, 30503519). This variant has not been reported in the literature in individuals affected with POLE-related conditions. For these reasons, this variant has been classified as Pathogenic.

Literature cited by the submitters: PubMed 23230001; PubMed 25948378; PubMed 30503519.

NC_000012.11:g.(?_133218223)_(133263901_?)del

Gene: POLE (DNA polymerase epsilon, catalytic subunit; minus strand). Cytogenetic location: 12q24.33.
Variant type: Deletion.
Identifiers: ClinVar variation 3244396 (VCV003244396.1).